The following is an entry in ClinVar:

ClinVar aggregate classification (germline): Conflicting classifications of pathogenicity. Review status: criteria provided, conflicting classifications (1 of 4 stars). 2 submissions from 1 submitter: Uncertain significance (1); Likely benign (1). Last evaluated 2018-01-13.

Conditions:
Autosomal recessive nonsyndromic hearing loss 37. Identifiers: Orphanet 90636, MedGen C1843028, MONDO:0011912, OMIM 607821.
Autosomal dominant nonsyndromic hearing loss 22. Also called: Autosomal dominant nonsyndromic deafness 22; DFNA 22. Identifiers: Orphanet 228012, MedGen C2931767, MONDO:0011660, OMIM 606346.

Allele frequency attached by ClinVar (database versions not stated): gnomAD 0.00151 and 0.00152; TOPMed 0.00259; 1000 Genomes Project 0.00260; 1000 Genomes Project 30x 0.00328.

Submissions (2):

Illumina Laboratory Services, Illumina
Classification: Likely benign for Autosomal dominant nonsyndromic hearing loss 22. Last evaluated: 2018-01-13. Review status: criteria provided, single submitter. Criteria: ICSL Variant Classification Criteria 13 December 2019. Collection method: clinical testing. Allele origin: germline.
Comment: This variant was observed in the ICSL laboratory as part of a predisposition screen in an ostensibly healthy population. It had not been previously curated by ICSL or reported in the Human Gene Mutation Database (HGMD: prior to June 1st, 2018), and was therefore a candidate for classification through an automated scoring system. Utilizing variant allele frequency, disease prevalence and penetrance estimates, and inheritance mode, an automated score was calculated to assess if this variant is too frequent to cause the disease. Based on the score and internal cut-off values, a variant classified as likely benign is not then subjected to further curation. The score for this variant resulted in a classification of likely benign for this disease.

Illumina Laboratory Services, Illumina
Classification: Uncertain significance for Autosomal recessive nonsyndromic hearing loss 37. Last evaluated: 2018-01-13. Review status: criteria provided, single submitter. Criteria: ICSL Variant Classification Criteria 13 December 2019. Collection method: clinical testing. Allele origin: germline.

NM_004999.4(MYO6):c.*4095G>A

Gene: MYO6 (myosin VI; plus strand). Cytogenetic location: 6q14.1.
Variant type: single nucleotide variant.
Coding change: c.*4095G>A on transcript NM_004999.4 (MANE Select); 4095 bases downstream of the stop codon, G replaced by A.
Molecular consequence: 3 prime UTR variant. On other transcripts: non-coding transcript variant (1).
Genome position (GRCh38, 1-based): chr6:75,919,107, G>A. VCF-style: chr6-75919107-G-A. GRCh37 (hg19) VCF-style: chr6-76628824-G-A.
Other names: c.*4095G>A (NM_001300899.2, NM_001368136.1, NM_001368137.1 and 3 more transcripts).
Identifiers: ClinVar variation 358054 (VCV000358054.5), dbSNP rs185154265, ClinGen allele CA10627667.